The following is an entry in ClinVar:

NM_152383.5(DIS3L2):c.1162C>T (p.Arg388Ter)

Gene: DIS3L2 (DIS3 like 3'-5' exoribonuclease 2; plus strand). Cytogenetic location: 2q37.1.
Variant type: single nucleotide variant.
Coding change: c.1162C>T on transcript NM_152383.5 (MANE Select); coding-DNA position 1162, C replaced by T.
Protein change: p.Arg388Ter; replaces arginine 388 with a stop codon.
Molecular consequence: nonsense. On other transcripts: non-coding transcript variant (2).
Genome position (GRCh38, 1-based): chr2:232,210,363, C>T. VCF-style: chr2-232210363-C-T. GRCh37 (hg19) VCF-style: chr2-233075073-C-T.
Other names: c.1162C>T, p.Arg388Ter (NM_001257281.2); short protein forms R388*.
Identifiers: ClinVar variation 860912 (VCV000860912.8), dbSNP rs766629924, ClinGen allele CA351154049.

ClinVar aggregate classification (germline): Pathogenic/Likely pathogenic. Review status: criteria provided, multiple submitters, no conflicts (2 of 4 stars). 2 submissions from 2 submitters: Pathogenic (1); Likely pathogenic (1). Last evaluated 2024-02-23.

Conditions:
Perlman syndrome (PRLMNS). Identifiers: Orphanet 2849, MedGen C0796113, MONDO:0009965, OMIM 267000.

Allele frequency attached by ClinVar (database versions not stated): gnomAD 0.00001.
gnomAD v4.1: 2 of 1,613,576 alleles (0.00012%); highest among the groups gnomAD compares: African/African-American, 0.0027%; no homozygotes.

Submissions (2):

Labcorp Genetics (formerly Invitae), Labcorp
Classification: Pathogenic for Perlman syndrome. Last evaluated: 2024-02-23. Review status: criteria provided, single submitter. Criteria: Invitae Variant Classification Sherloc (09022015). Collection method: clinical testing. Allele origin: germline.
Comment: This sequence change creates a premature translational stop signal (p.Arg388*) in the DIS3L2 gene. It is expected to result in an absent or disrupted protein product. Loss-of-function variants in DIS3L2 are known to be pathogenic (PMID: 22306653, 28328139). This variant is not present in population databases (gnomAD no frequency). This variant has not been reported in the literature in individuals affected with DIS3L2-related conditions. ClinVar contains an entry for this variant (Variation ID: 860912). For these reasons, this variant has been classified as Pathogenic.

Baylor Genetics
Classification: Likely pathogenic for Perlman syndrome. Last evaluated: 2022-09-08. Review status: criteria provided, single submitter. Criteria: ACMG Guidelines, 2015. Collection method: clinical testing. Allele origin: unknown.

Literature cited by the submitters: PubMed 22306653 (cited by Labcorp Genetics (formerly Invitae), Labcorp); PubMed 28328139 (cited by Labcorp Genetics (formerly Invitae), Labcorp).